The following is an entry in ClinVar:

ClinVar aggregate classification (germline): Uncertain significance (1 of 4 stars; one submission).

gnomAD v4.1: 1 of 1,612,790 alleles (0.000062%); highest among the groups gnomAD compares: African/African-American, 0.0013%; no homozygotes.

Submission:

Women's Health and Genetics/Laboratory Corporation of America, LabCorp
Classification: Uncertain significance. Last evaluated: 2025-07-07. Review status: criteria provided, single submitter. Criteria: LabCorp Variant Classification Summary - May 2015. Collection method: clinical testing. Allele origin: germline.
Comment: Variant summary: PCSK9 c.2048A>G (p.His683Arg) results in a non-conservative amino acid change in the encoded protein sequence. Algorithms developed to predict the effect of missense changes on protein structure and function are either unavailable or do not agree on the potential impact of this missense change. The variant allele was found at a frequency of 4e-06 in 247296 control chromosomes. The available data on variant occurrences in the general population are insufficient to allow any conclusion about variant significance. To our knowledge, no occurrence of c.2048A>G in individuals affected with Familial Hypercholesterolemia and no experimental evidence demonstrating its impact on protein function have been reported. No submitters have cited clinical-significance assessments for this variant to ClinVar. Based on the evidence outlined above, the variant was classified as uncertain significance.

NM_174936.4(PCSK9):c.2048A>G (p.His683Arg)

Gene: PCSK9 (proprotein convertase subtilisin/kexin type 9; plus strand). Cytogenetic location: 1p32.3.
Variant type: single nucleotide variant.
Coding change: c.2048A>G on transcript NM_174936.4 (MANE Select); coding-DNA position 2048, A replaced by G.
Protein change: p.His683Arg; replaces histidine 683 with arginine.
Molecular consequence: missense variant. On other transcripts: non-coding transcript variant (8).
Genome position (GRCh38, 1-based): chr1:55,063,553, A>G. VCF-style: chr1-55063553-A-G. GRCh37 (hg19) VCF-style: chr1-55529226-A-G.
Other names: c.2171A>G, p.His724Arg (NM_001407240.1); c.2090A>G, p.His697Arg (NM_001407241.1); c.2051A>G, p.His684Arg (NM_001407242.1); c.1991A>G, p.His664Arg (NM_001407243.1); c.1874A>G, p.His625Arg (NM_001407244.1); c.1856A>G, p.His619Arg (NM_001407245.1); c.1673A>G, p.His558Arg (NM_001407246.1); c.1547A>G, p.His516Arg (NM_001407247.1); short protein forms H516R, H558R, H619R, H625R, H664R, H683R, H684R, H697R.
Identifiers: ClinVar variation 3911953 (VCV003911953.2).